The following is an entry in ClinVar:

ClinVar aggregate classification (germline): Likely pathogenic (1 of 4 stars; one submission).

Submission:

Dasa
Classification: Likely pathogenic. Last evaluated: 2025-07-25. Review status: criteria provided, single submitter. Criteria: DASA Assertion Criteria. Collection method: clinical testing. Allele origin: germline.
Comment: NM_032856.5(WDR73):c.100del (p.Asp34Metfs*13) introduces a premature termination codon predicted to result in loss of normal protein function. Loss-of-function is an established mechanism of disease for this gene. The variant is present at low frequency in population datasets. Based on the available data, this variant is classified as likely pathogenic.

NM_032856.5(WDR73):c.100del (p.Asp34fs)

Gene: WDR73 (WD repeat domain 73; minus strand). Cytogenetic location: 15q25.2.
Variant type: Deletion.
Coding change: c.100del on transcript NM_032856.5 (MANE Select); coding-DNA position 100, one base deleted (G; older notation c.100delG).
Protein change: p.Asp34fs; shifts the reading frame from aspartic acid 34.
Molecular consequence: frameshift variant. On other transcripts: non-coding transcript variant (4).
Genome position (GRCh38, 1-based): chr15:84,653,641, C deleted on the plus strand (G on the coding strand, the reverse complement: WDR73 is on the minus strand). VCF-style (leftmost placement, unchanged base first): chr15-84653640-TC-T. GRCh37 (hg19) VCF-style: chr15-85196871-TC-T.
Other names: short protein forms D34fs.
Identifiers: ClinVar variation 4851874 (VCV004851874.1).